The following is an entry in ClinVar:

NM_000264.5(PTCH1):c.3704G>C (p.Ser1235Thr)

Gene: PTCH1 (patched 1; minus strand). Cytogenetic location: 9q22.32.
Variant type: single nucleotide variant.
Coding change: c.3704G>C on transcript NM_000264.5 (MANE Select); coding-DNA position 3704, G replaced by C.
Protein change: p.Ser1235Thr; replaces serine 1235 with threonine.
Molecular consequence: missense variant. On other transcripts: non-coding transcript variant (1).
Genome position (GRCh38, 1-based): chr9:95,449,169, C>G on the plus strand (G>C on the coding strand, the complement: PTCH1 is on the minus strand). VCF-style: chr9-95449169-C-G. GRCh37 (hg19) VCF-style: chr9-98211451-C-G.
Other names: c.3506G>C, p.Ser1169Thr (NM_001083602.3); c.3701G>C, p.Ser1234Thr (NM_001083603.3); c.3251G>C, p.Ser1084Thr (NM_001083604.3, NM_001083605.3, NM_001083606.3 and 1 more transcripts); c.3548G>C, p.Ser1183Thr (NM_001354918.2); short protein forms S1084T, S1169T, S1183T, S1234T, S1235T.
Identifiers: ClinVar variation 3621295 (VCV003621295.2).
Genomic context (GRCh38, chr9:95,449,169, plus strand): 5'-ATCACTTGGTGGGCAGGGCCTCCCGCGCCCTGCTGGGCCTCGTAGTGCCGAAGCTCCTCG[C>G]TGAGGCCTGACACTGTCGTCTGGGAACTATACTCCGAGTCGGAGGAATCAGACCCGCTGT-3'
Protein context (NP_000255.2, residues 1225-1245): YSSQTTVSGL[Ser1235Thr]EELRHYEAQQ

ClinVar aggregate classification (germline): Uncertain significance (1 of 4 stars; one submission).

Conditions:
Gorlin syndrome. Also called: Basal cell nevus syndrome; Nevoid Basal Cell Carcinoma Syndrome. Identifiers: Orphanet 377, MedGen C0004779, MONDO:0007187.

gnomAD v4.1: 1 of 1,613,064 alleles (0.000062%); highest among the groups gnomAD compares: African/African-American, 0.0013%; no homozygotes.

Submission:

Labcorp Genetics (formerly Invitae), Labcorp
Classification: Uncertain significance for Gorlin syndrome. Last evaluated: 2025-10-01. Review status: criteria provided, single submitter. Criteria: Invitae Variant Classification Sherloc (09022015). Collection method: clinical testing. Allele origin: germline.
Comment: This sequence change replaces serine, which is neutral and polar, with threonine, which is neutral and polar, at codon 1235 of the PTCH1 protein (p.Ser1235Thr). This variant is not present in population databases (gnomAD no frequency). This variant has not been reported in the literature in individuals affected with PTCH1-related conditions. ClinVar contains an entry for this variant (Variation ID: 3621295). Invitae Evidence Modeling of protein sequence and biophysical properties (such as structural, functional, and spatial information, amino acid conservation, physicochemical variation, residue mobility, and thermodynamic stability) indicates that this missense variant is not expected to disrupt PTCH1 protein function with a negative predictive value of 95%. In summary, the available evidence is currently insufficient to determine the role of this variant in disease. Therefore, it has been classified as a Variant of Uncertain Significance.